The following is an entry in ClinVar:

ClinVar aggregate classification (germline): Uncertain significance (1 of 4 stars; one submission).

Allele frequency attached by ClinVar (database versions not stated): gnomAD exomes below 0.00001.
gnomAD v4.1: 3 of 1,614,108 alleles (0.00019%); highest among the groups gnomAD compares: East Asian, 0.0022%; no homozygotes.

Submission:

Ambry Genetics
Classification: Uncertain significance. Last evaluated: 2023-10-08. Review status: criteria provided, single submitter. Criteria: Ambry Variant Classification Scheme 2023. Collection method: clinical testing. Allele origin: germline.
Comment: The p.A1635V variant (also known as c.4904C>T), located in coding exon 43 of the KIF1B gene, results from a C to T substitution at nucleotide position 4904. The alanine at codon 1635 is replaced by valine, an amino acid with similar properties. This amino acid position is conserved. In addition, the in silico prediction for this alteration is inconclusive. Since supporting evidence is limited at this time, the clinical significance of this alteration remains unclear.

NM_001365951.3(KIF1B):c.5042C>T (p.Ala1681Val)

Gene: KIF1B (kinesin family member 1B; plus strand). Cytogenetic location: 1p36.22.
Variant type: single nucleotide variant.
Coding change: c.5042C>T on transcript NM_001365951.3 (MANE Select); coding-DNA position 5042, C replaced by T.
Protein change: p.Ala1681Val; replaces alanine 1681 with valine.
Molecular consequence: missense variant.
Genome position (GRCh38, 1-based): chr1:10,374,411, C>T. VCF-style: chr1-10374411-C-T. GRCh37 (hg19) VCF-style: chr1-10434469-C-T.
Other names: c.5042C>T, p.Ala1681Val (NM_001365952.1); c.4904C>T, p.Ala1635Val (NM_015074.3); short protein forms A1635V, A1681V.
Identifiers: ClinVar variation 3226525 (VCV003226525.1), dbSNP rs1291524114, ClinGen allele CA338329482.